The following is an entry in ClinVar:

NM_001081.4(CUBN):c.8374G>T (p.Gly2792Cys)

Gene: CUBN (cubilin; minus strand). Cytogenetic location: 10p13.
Variant type: single nucleotide variant.
Coding change: c.8374G>T on transcript NM_001081.4 (MANE Select); coding-DNA position 8374, G replaced by T.
Protein change: p.Gly2792Cys; replaces glycine 2792 with cysteine.
Molecular consequence: missense variant.
Genome position (GRCh38, 1-based): chr10:16,900,661, C>A on the plus strand (G>T on the coding strand, the complement: CUBN is on the minus strand). VCF-style: chr10-16900661-C-A. GRCh37 (hg19) VCF-style: chr10-16942660-C-A.
Other names: short protein forms G2792C.
Identifiers: ClinVar variation 4055866 (VCV004055866.1).

ClinVar aggregate classification (germline): Uncertain significance (1 of 4 stars; one submission).

Submission:

GeneDx
Classification: Uncertain significance. Last evaluated: 2025-01-03. Review status: criteria provided, single submitter. Criteria: GeneDx Variant Classification Process June 2021. Collection method: clinical testing. Allele origin: germline. Affected: yes.
Comment: Not observed at significant frequency in large population cohorts (gnomAD); In silico analysis supports that this missense variant has a deleterious effect on protein structure/function; Has not been previously published as pathogenic or benign to our knowledge